The following is an entry in ClinVar:

ClinVar aggregate classification (germline): Uncertain significance (1 of 4 stars; one submission).

Conditions:
Charcot-Marie-Tooth disease axonal type 2O. Also called: CHARCOT-MARIE-TOOTH NEUROPATHY, AXONAL, TYPE 2O; CHARCOT-MARIE-TOOTH DISEASE, AXONAL, AUTOSOMAL DOMINANT, TYPE 2O; Charcot-Marie-Tooth disease, axonal, type 20; Charcot-Marie-Tooth Neuropathy Type 2O. Identifiers: Orphanet 284232, MedGen C3280220, MONDO:0013644, OMIM 614228.

Allele frequency attached by ClinVar (database versions not stated): gnomAD exomes below 0.00001; TOPMed 0.00001.
gnomAD v4.1: 1 of 1,614,176 alleles (0.000062%); highest among the groups gnomAD compares: African/African-American, 0.0013%; no homozygotes.

Submission:

Labcorp Genetics (formerly Invitae), Labcorp
Classification: Uncertain significance for Charcot-Marie-Tooth disease axonal type 2O. Last evaluated: 2021-04-08. Review status: criteria provided, single submitter. Criteria: Invitae Variant Classification Sherloc (09022015). Collection method: clinical testing. Allele origin: germline.
Comment: In summary, the available evidence is currently insufficient to determine the role of this variant in disease. Therefore, it has been classified as a Variant of Uncertain Significance. Advanced modeling of protein sequence and biophysical properties (such as structural, functional, and spatial information, amino acid conservation, physicochemical variation, residue mobility, and thermodynamic stability) performed at Invitae indicates that this missense variant is not expected to disrupt DYNC1H1 protein function. This variant has not been reported in the literature in individuals with DYNC1H1-related conditions. This variant is not present in population databases (ExAC no frequency). This sequence change replaces arginine with lysine at codon 2417 of the DYNC1H1 protein (p.Arg2417Lys). The arginine residue is highly conserved and there is a small physicochemical difference between arginine and lysine.

NM_001376.5(DYNC1H1):c.7250G>A (p.Arg2417Lys)

Gene: DYNC1H1 (dynein cytoplasmic 1 heavy chain 1; plus strand). Cytogenetic location: 14q32.31.
Variant type: single nucleotide variant.
Coding change: c.7250G>A on transcript NM_001376.5 (MANE Select); coding-DNA position 7250, G replaced by A.
Protein change: p.Arg2417Lys; replaces arginine 2417 with lysine.
Molecular consequence: missense variant.
Genome position (GRCh38, 1-based): chr14:102,015,863, G>A. VCF-style: chr14-102015863-G-A. GRCh37 (hg19) VCF-style: chr14-102482200-G-A.
Other names: short protein forms R2417K.
Identifiers: ClinVar variation 1491591 (VCV001491591.8), dbSNP rs927181915, ClinGen allele CA266952006.